The following is an entry in ClinVar:

ClinVar aggregate classification (germline): Likely benign (0 of 4 stars; one submission).

Conditions:
PTPRU-related disorder. Also called: PTPRU-related condition.

Allele frequency attached by ClinVar (database versions not stated): TOPMed 0.00002; gnomAD 0.00014; ExAC 0.00056; 1000 Genomes Project 30x 0.00094; 1000 Genomes Project 0.00120.
gnomAD v4.1: 395 of 1,611,854 alleles (0.025%); highest among the groups gnomAD compares: South Asian, 0.41%; 5 homozygotes.

Submission:

PreventionGenetics, part of Exact Sciences
Classification: Likely benign for PTPRU-related condition. Last evaluated: 2019-07-12. Review status: no assertion criteria provided. Collection method: clinical testing. Allele origin: germline.
Comment: This variant is classified as likely benign based on ACMG/AMP sequence variant interpretation guidelines (Richards et al. 2015 PMID: 25741868, with internal and published modifications).

NM_133178.4(PTPRU):c.987G>A (p.Gly329=)

Gene: PTPRU (protein tyrosine phosphatase receptor type U; plus strand). Cytogenetic location: 1p35.3.
Variant type: single nucleotide variant.
Coding change: c.987G>A on transcript NM_133178.4 (MANE Select); coding-DNA position 987, G replaced by A.
Protein change: p.Gly329=; no amino-acid change (glycine 329 retained).
Molecular consequence: synonymous variant.
Genome position (GRCh38, 1-based): chr1:29,260,746, G>A. VCF-style: chr1-29260746-G-A. GRCh37 (hg19) VCF-style: chr1-29587258-G-A.
Other names: c.987G>A, p.Gly329= (NM_001195001.2, NM_005704.5, NM_133177.4).
Identifiers: ClinVar variation 3043531 (VCV003043531.2), dbSNP rs573346927, ClinGen allele CA726251.